The following is an entry in ClinVar:

NM_000528.4(MAN2B1):c.371T>C (p.Phe124Ser)

Gene: MAN2B1 (mannosidase alpha class 2B member 1; minus strand). Cytogenetic location: 19p13.13.
Variant type: single nucleotide variant.
Coding change: c.371T>C on transcript NM_000528.4 (MANE Select); coding-DNA position 371, T replaced by C.
Protein change: p.Phe124Ser; replaces phenylalanine 124 with serine.
Molecular consequence: missense variant.
Genome position (GRCh38, 1-based): chr19:12,665,417, A>G on the plus strand (T>C on the coding strand, the complement: MAN2B1 is on the minus strand). VCF-style: chr19-12665417-A-G. GRCh37 (hg19) VCF-style: chr19-12776231-A-G.
Other names: c.371T>C, p.Phe124Ser (NM_001173498.2); short protein forms F124S.
Identifiers: ClinVar variation 3366813 (VCV003366813.2).

ClinVar aggregate classification (germline): Uncertain significance. Review status: criteria provided, multiple submitters, no conflicts (2 of 4 stars). 2 submissions from 2 submitters: Uncertain significance (2). Last evaluated 2025-08-19.

Conditions:
Deficiency of alpha-mannosidase (MANSA). Also called: LYSOSOMAL ALPHA-D-MANNOSIDASE DEFICIENCY; Alpha-Mannosidosis; Mannosidosis, alpha-, types I and II. Identifiers: Orphanet 61, MedGen C0024748, MONDO:0009561, OMIM 248500.

gnomAD v4.1: 17 of 1,613,382 alleles (0.0011%); highest among the groups gnomAD compares: Non-Finnish European, 0.0014%; no homozygotes.

Submissions (2):

Labcorp Genetics (formerly Invitae), Labcorp
Classification: Uncertain significance for Deficiency of alpha-mannosidase. Last evaluated: 2025-08-19. Review status: criteria provided, single submitter. Criteria: Invitae Variant Classification Sherloc (09022015). Collection method: clinical testing. Allele origin: germline.
Comment: This sequence change replaces phenylalanine, which is neutral and non-polar, with serine, which is neutral and polar, at codon 124 of the MAN2B1 protein (p.Phe124Ser). This variant is present in population databases (rs748180600, gnomAD 0.0009%). This missense change has been observed in individual(s) with MAN2B1-related conditions (PMID: 26633542). ClinVar contains an entry for this variant (Variation ID: 3366813). Invitae Evidence Modeling of protein sequence and biophysical properties (such as structural, functional, and spatial information, amino acid conservation, physicochemical variation, residue mobility, and thermodynamic stability) has been performed for this missense variant. However, the output from this modeling did not meet the statistical confidence thresholds required to predict the impact of this variant on MAN2B1 protein function. In summary, the available evidence is currently insufficient to determine the role of this variant in disease. Therefore, it has been classified as a Variant of Uncertain Significance.

Women's Health and Genetics/Laboratory Corporation of America, LabCorp
Classification: Uncertain significance. Last evaluated: 2024-08-14. Review status: criteria provided, single submitter. Criteria: LabCorp Variant Classification Summary - May 2015. Collection method: clinical testing. Allele origin: germline.
Comment: Variant summary: MAN2B1 c.371T>C (p.Phe124Ser) results in a non-conservative amino acid change located in the Glycoside hydrolase family 38, N-terminal domain of the encoded protein sequence. Five of five in-silico tools predict a damaging effect of the variant on protein function. The variant allele was found at a frequency of 4e-06 in 250602 control chromosomes. The available data on variant occurrences in the general population are insufficient to allow any conclusion about variant significance. c.371T>C has been reported in the literature in individuals affected with Multiple congenital anomalies (Retterer_2016). This report does not provide unequivocal conclusions about association of the variant with Alpha-Mannosidosis. To our knowledge, no experimental evidence demonstrating an impact on protein function has been reported. No submitters have cited clinical-significance assessments for this variant to ClinVar. Based on the evidence outlined above, the variant was classified as uncertain significance.

Literature cited by the submitters: PubMed 26633542 (cited by Labcorp Genetics (formerly Invitae), Labcorp and Women's Health and Genetics/Laboratory Corporation of America, LabCorp).